The following is an entry in ClinVar:

ClinVar aggregate classification (germline): Likely benign (1 of 4 stars; one submission).

Allele frequency attached by ClinVar (database versions not stated): gnomAD 0.00024; gnomAD exomes 0.00032; TOPMed 0.00033; ExAC 0.00056; 1000 Genomes Project 30x 0.00083; 1000 Genomes Project 0.00106.

Submission:

CeGaT Center for Human Genetics Tuebingen
Classification: Likely benign. Last evaluated: 2023-02-01. Review status: criteria provided, single submitter. Criteria: CeGaT Center For Human Genetics Tuebingen Variant Classification Criteria Version 2. Collection method: clinical testing. Allele origin: germline. Affected: yes. Observed: 1 variant allele.
Comment: LONRF3: BP4, BP7, BS2

NM_001031855.3(LONRF3):c.2025T>C (p.Tyr675=)

Gene: LONRF3 (LON peptidase N-terminal domain and ring finger 3; plus strand). Cytogenetic location: Xq24.
Variant type: single nucleotide variant.
Coding change: c.2025T>C on transcript NM_001031855.3 (MANE Select); coding-DNA position 2025, T replaced by C.
Protein change: p.Tyr675=; no amino-acid change (tyrosine 675 retained).
Molecular consequence: synonymous variant. On other transcripts: non-coding transcript variant (1).
Genome position (GRCh38, 1-based): chrX:119,014,257, T>C. VCF-style: chrX-119014257-T-C. GRCh37 (hg19) VCF-style: chrX-118148220-T-C.
Other names: c.1257T>C, p.Tyr419= (NM_001289109.1); c.1902T>C, p.Tyr634= (NM_024778.5).
Identifiers: ClinVar variation 2661283 (VCV002661283.24), dbSNP rs188327106, ClinGen allele CA10500750.